The following is an entry in ClinVar:

ClinVar aggregate classification (germline): Conflicting classifications of pathogenicity. Review status: criteria provided, conflicting classifications (1 of 4 stars). 9 submissions from 8 submitters: Uncertain significance (2); Likely benign (5). 2 of the submissions do not count toward it. Last evaluated 2026-01-20.

Conditions:
HSPG2-related disorder. Also called: HSPG2-related disorders; HSPG2-related condition.
Schwartz-Jampel syndrome. Also called: Myotonic myopathy dwarfism chondrodystrophy and ocular and facial abnormalities. Identifiers: Orphanet 800, MedGen C0036391, MONDO:0009717.
Connective tissue disorder. Also called: Connective tissue disease. Identifiers: MedGen C0009782, MONDO:0003900.
Lethal Kniest-like syndrome (DDSH). Also called: Dyssegmental Dysplasia. Identifiers: Orphanet 1865, MedGen C1857100, MONDO:0009140, OMIM 224410.

Allele frequency attached by ClinVar (database versions not stated): ESP Exome Variant Server 0.00023; gnomAD 0.00025 and 0.00034; TOPMed 0.00029; gnomAD exomes 0.00048 and 0.00058; 1000 Genomes Project 0.00060; ExAC 0.00071; 1000 Genomes Project 30x 0.00078.
gnomAD v4.1: 749 of 1,613,514 alleles (0.046%); highest among the groups gnomAD compares: Middle Eastern, 0.36%; 1 homozygote.

Submissions (9):

Labcorp Genetics (formerly Invitae), Labcorp
Classification: Likely benign. Last evaluated: 2026-01-20. Review status: criteria provided, single submitter. Criteria: Invitae Variant Classification Sherloc (09022015). Collection method: clinical testing. Allele origin: germline.

Blueprint Genetics
Classification: Likely benign. Last evaluated: 2024-10-29. Review status: criteria provided, single submitter. Criteria: ACMG Guidelines, 2015. Collection method: clinical testing. Allele origin: germline.

Genome Diagnostics Laboratory, The Hospital for Sick Children
Classification: Uncertain significance for Connective tissue disorder. Last evaluated: 2020-12-02. Review status: criteria provided, single submitter. Criteria: ACMG Guidelines, 2015. Collection method: clinical testing. Allele origin: germline.

GeneDx
Classification: Uncertain significance. Last evaluated: 2018-05-18. Review status: criteria provided, single submitter. Criteria: GeneDx Variant Classification (06012015). Collection method: clinical testing. Allele origin: germline. Affected: yes.
Comment: The A1766V variant in the HSPG2 gene has not been reported previously as a pathogenic variant, nor as a benign variant, to our knowledge. The A1766V variant is observed in 92/30776 (0.3%) alleles from individuals of South Asian background in large population cohorts, and 1 homozygous individual undergoing testing at GeneDx (Lek et al., 2016). The A1766V variant is a conservative amino acid substitution, which is not likely to impact secondary protein structure as these residues share similar properties. In-silico analyses, including protein predictors and evolutionary conservation, support that this variant does not alter protein structure/function. We interpret A1766V as a variant of uncertain significance.

Illumina Laboratory Services, Illumina
Classification: Likely benign for Schwartz-Jampel syndrome type 1. Last evaluated: 2018-01-12. Review status: criteria provided, single submitter. Criteria: ICSL Variant Classification Criteria 13 December 2019. Collection method: clinical testing. Allele origin: germline.
Comment: This variant was observed in the ICSL laboratory as part of a predisposition screen in an ostensibly healthy population. It had not been previously curated by ICSL or reported in the Human Gene Mutation Database (HGMD: prior to June 1st, 2018), and was therefore a candidate for classification through an automated scoring system. Utilizing variant allele frequency, disease prevalence and penetrance estimates, and inheritance mode, an automated score was calculated to assess if this variant is too frequent to cause the disease. Based on the score and internal cut-off values, a variant classified as likely benign is not then subjected to further curation. The score for this variant resulted in a classification of likely benign for this disease.

Illumina Laboratory Services, Illumina
Classification: Likely benign for Lethal Kniest-like syndrome. Last evaluated: 2018-01-12. Review status: criteria provided, single submitter. Criteria: ICSL Variant Classification Criteria 13 December 2019. Collection method: clinical testing. Allele origin: germline.
Comment: the same text as in the submission from Illumina Laboratory Services, Illumina above.

Athena Diagnostics
Classification: Likely benign. Last evaluated: 2016-08-18. Review status: criteria provided, single submitter. Criteria: Athena Diagnostics Criteria. Collection method: clinical testing. Allele origin: germline.

PreventionGenetics, part of Exact Sciences
Classification: Likely benign for HSPG2-related condition. Last evaluated: 2024-05-30. Review status: no assertion criteria provided. Collection method: clinical testing. Allele origin: germline. Not counted in ClinVar's aggregate classification.
Comment: This variant is classified as likely benign based on ACMG/AMP sequence variant interpretation guidelines (Richards et al. 2015 PMID: 25741868, with internal and published modifications).

Department of Pathology and Laboratory Medicine, Sinai Health System
Classification: Uncertain significance. Review status: no assertion criteria provided. Collection method: clinical testing. Allele origin: unknown. Affected: yes. Study: The Canadian Open Genetics Repository (COGR). Not counted in ClinVar's aggregate classification.
Comment: The HSPG2 p.Ala1766Val variant was not identified in the literature nor was it identified in LOVD 3.0. The variant was identified in dbSNP (ID: rs139794766) and ClinVar (classified as likely benign by Athena Diagnostics and as uncertain significance by Illumina and GeneDx). The variant was identified in control databases in 162 of 281466 chromosomes at a frequency of 0.0005756 increasing the likelihood this could be a low frequency benign variant (Genome Aggregation Database March 6, 2019, v2.1.1). The variant was observed in the following populations: South Asian in 92 of 30610 chromosomes (freq: 0.003006), Other in 6 of 7204 chromosomes (freq: 0.000833), European (non-Finnish) in 53 of 128280 chromosomes (freq: 0.000413), Latino in 8 of 35398 chromosomes (freq: 0.000226) and African in 3 of 24894 chromosomes (freq: 0.000121), but was not observed in the Ashkenazi Jewish, East Asian, or European (Finnish) populations. The p.Ala1766 residue is conserved in mammals but not in more distantly related organisms however four out of five computational analyses (PolyPhen-2, SIFT, AlignGVGD, BLOSUM, MutationTaster) do not suggest a high likelihood of impact to the protein; this information is not predictive enough to rule out pathogenicity. The variant occurs outside of the splicing consensus sequence and in silico or computational prediction software programs (SpliceSiteFinder, MaxEntScan, NNSPLICE, GeneSplicer) do not predict a difference in splicing. In summary, based on the above information the clinical significance of this variant cannot be determined with certainty at this time. This variant is classified as a variant of uncertain significance.

NM_005529.7(HSPG2):c.5297C>T (p.Ala1766Val)

Gene: HSPG2 (heparan sulfate proteoglycan 2; minus strand). Cytogenetic location: 1p36.12.
Variant type: single nucleotide variant.
Coding change: c.5297C>T on transcript NM_005529.7 (MANE Select); coding-DNA position 5297, C replaced by T.
Protein change: p.Ala1766Val; replaces alanine 1766 with valine.
Molecular consequence: missense variant.
Genome position (GRCh38, 1-based): chr1:21,857,382, G>A on the plus strand (C>T on the coding strand, the complement: HSPG2 is on the minus strand). VCF-style: chr1-21857382-G-A. GRCh37 (hg19) VCF-style: chr1-22183875-G-A.
Other names: c.5300C>T, p.Ala1767Val (NM_001291860.2); short protein forms A1766V, A1767V.
Identifiers: ClinVar variation 295834 (VCV000295834.22), dbSNP rs139794766, ClinGen allele CA671964.